The following is an entry in ClinVar:

ClinVar aggregate classification (germline): Likely pathogenic (1 of 4 stars; one submission).

Submission:

GeneDx
Classification: Likely pathogenic. Last evaluated: 2026-04-06. Review status: criteria provided, single submitter. Criteria: GeneDx Variant Classification Process June 2021. Collection method: clinical testing. Allele origin: germline.
Comment: Canonical splice site variant predicted to result in an in-frame loss of the adjacent exon in a gene for which loss of function is a known mechanism of disease; Not observed at significant frequency in large population cohorts (gnomAD); Has not been previously published as pathogenic or benign to our knowledge

NM_015335.5(MED13L):c.5890+1G>T

Gene: MED13L (mediator complex subunit 13L; minus strand). Cytogenetic location: 12q24.21.
Variant type: single nucleotide variant.
Coding change: c.5890+1G>T on transcript NM_015335.5 (MANE Select); the canonical splice donor site of the intron after coding-DNA position 5890, G replaced by T.
Molecular consequence: splice donor variant.
Genome position (GRCh38, 1-based): chr12:115,972,077, C>A on the plus strand (G>T on the coding strand, the complement: MED13L is on the minus strand). VCF-style: chr12-115972077-C-A. GRCh37 (hg19) VCF-style: chr12-116409882-C-A.
Identifiers: ClinVar variation 5037702 (VCV005037702.1).